The following is an entry in ClinVar:

NM_000051.4(ATM):c.2199T>C (p.Gly733=)

Gene: ATM (ATM serine/threonine kinase; plus strand). Cytogenetic location: 11q22.3.
Variant type: single nucleotide variant.
Coding change: c.2199T>C on transcript NM_000051.4 (MANE Select); coding-DNA position 2199, T replaced by C.
Protein change: p.Gly733=; no amino-acid change (glycine 733 retained).
Molecular consequence: synonymous variant.
Genome position (GRCh38, 1-based): chr11:108,256,289, T>C. VCF-style: chr11-108256289-T-C. GRCh37 (hg19) VCF-style: chr11-108127016-T-C.
Other names: c.2199T>C, p.Gly733= (NM_001351834.2).
Identifiers: ClinVar variation 1125051 (VCV001125051.12), dbSNP rs1591542359, ClinGen allele CA476672525.

ClinVar aggregate classification (germline): Benign/Likely benign. Review status: criteria provided, multiple submitters, no conflicts (2 of 4 stars). 3 submissions from 3 submitters: Benign (1); Likely benign (2). Last evaluated 2024-12-19.

Conditions:
Hereditary cancer-predisposing syndrome. Also called: Neoplastic Syndromes, Hereditary; Tumor predisposition; Hereditary Cancer Syndrome; Hereditary neoplastic syndrome. Identifiers: Orphanet 140162, MedGen C0027672, MeSH D009386, MONDO:0015356.
Familial cancer of breast. Also called: Hereditary breast cancer; BREAST CANCER, FAMILIAL; hereditary breast carcinoma. Identifiers: Orphanet 227535, MedGen C0346153, MONDO:0016419, OMIM 114480. Disease mechanism: loss of function.
Ataxia-telangiectasia syndrome (AT). Also called: Cerebello-oculocutaneous telangiectasia; Immunodeficiency with ataxia telangiectasia; ATAXIA-TELANGIECTASIA, COMPLEMENTATION GROUP A; ATAXIA-TELANGIECTASIA, FRESNO VARIANT; Ataxia-telangiectasia; Ataxia-telangiectasia, complementation group D. Identifiers: Orphanet 100, MedGen C0004135, MONDO:0008840, OMIM 208900.

Submissions (3):

Labcorp Genetics (formerly Invitae), Labcorp
Classification: Likely benign for Ataxia-telangiectasia syndrome. Last evaluated: 2024-12-19. Review status: criteria provided, single submitter. Criteria: Invitae Variant Classification Sherloc (09022015). Collection method: clinical testing. Allele origin: germline.

Myriad Genetics, Inc.
Classification: Benign for Familial cancer of breast. Last evaluated: 2024-05-07. Review status: criteria provided, single submitter. Criteria: Myriad Autosomal Dominant, Autosomal Recessive and X-Linked Classification Criteria (2023). Collection method: clinical testing. Allele origin: unknown.
Comment: This variant is considered benign. This variant is a silent/synonymous amino acid change and it is not expected to impact splicing.

Ambry Genetics
Classification: Likely benign for Hereditary cancer-predisposing syndrome. Last evaluated: 2022-04-29. Review status: criteria provided, single submitter. Criteria: Ambry Variant Classification Scheme 2023. Collection method: clinical testing. Allele origin: germline.